The following is an entry in ClinVar:

NM_014252.4(SLC25A15):c.416A>G (p.Glu139Gly)

Gene: SLC25A15 (solute carrier family 25 member 15; plus strand). Cytogenetic location: 13q14.11.
Variant type: single nucleotide variant.
Coding change: c.416A>G on transcript NM_014252.4 (MANE Select); coding-DNA position 416, A replaced by G.
Protein change: p.Glu139Gly; replaces glutamic acid 139 with glycine.
Molecular consequence: missense variant.
Genome position (GRCh38, 1-based): chr13:40,805,219, A>G. VCF-style: chr13-40805219-A-G. GRCh37 (hg19) VCF-style: chr13-41379355-A-G.
Other names: short protein forms E139G.
Identifiers: ClinVar variation 3769205 (VCV003769205.2).

ClinVar aggregate classification (germline): Uncertain significance (1 of 4 stars; one submission).

Submission:

Women's Health and Genetics/Laboratory Corporation of America, LabCorp
Classification: Uncertain significance. Last evaluated: 2025-01-29. Review status: criteria provided, single submitter. Criteria: LabCorp Variant Classification Summary - May 2015. Collection method: clinical testing. Allele origin: germline.
Comment: Variant summary: SLC25A15 c.416A>G (p.Glu139Gly) results in a non-conservative amino acid change in the encoded protein sequence. Four of five in-silico tools predict a damaging effect of the variant on protein function. The variant was absent in 251450 control chromosomes. c.416A>G has been reported in the literature in one individual affected with Hyperornithinemia-Hyperammonemia-Homocitrullinuria Syndrome (Guan_2017). These data indicate that the variant may be associated with disease. To our knowledge, no experimental evidence demonstrating an impact on protein function has been reported. The following publication has been ascertained in the context of this evaluation (PMID: 28592010). No submitters have cited clinical-significance assessments for this variant to ClinVar. Based on the evidence outlined above, the variant was classified as VUS-possibly pathogenic.

Literature cited by the submitters: PubMed 28592010.